The following is an entry in ClinVar:

ClinVar aggregate classification (germline): Benign/Likely benign. Review status: criteria provided, multiple submitters, no conflicts (2 of 4 stars). 4 submissions from 4 submitters: Benign (3); Likely benign (1). Last evaluated 2026-06-30.

Conditions:
NOTCH2-related disorder. Also called: NOTCH2-related condition.
Hajdu-Cheney syndrome (HJCYS). Also called: ACROOSTEOLYSIS WITH OSTEOPOROSIS AND CHANGES IN SKULL AND MANDIBLE; Acroosteolysis dominant type; SERPENTINE FIBULA-POLYCYSTIC KIDNEY SYNDROME. Identifiers: Orphanet 955, MedGen C0917715, MONDO:0007057, OMIM 102500.

Allele frequency attached by ClinVar (database versions not stated): ESP Exome Variant Server 0.00008; TOPMed 0.00017; 1000 Genomes Project 30x 0.00031; 1000 Genomes Project 0.00040; gnomAD 0.00137 and 0.00145.
gnomAD v4.1: 1,558 of 1,614,182 alleles (0.097%); highest among the groups gnomAD compares: Admixed American, 0.085%; 6 homozygotes.

Submissions (4):

PreventionGenetics, part of Exact Sciences
Classification: Benign for NOTCH2-related condition. Last evaluated: 2026-06-30. Review status: criteria provided, single submitter. Criteria: ACMG Guidelines, 2015. Collection method: clinical testing. Allele origin: germline.
Comment: This variant is classified as benign based on ACMG/AMP sequence variant interpretation guidelines (Richards et al. 2015 PMID: 25741868, with internal and published modifications).

Labcorp Genetics (formerly Invitae), Labcorp
Classification: Benign for Hajdu-Cheney syndrome. Last evaluated: 2026-01-07. Review status: criteria provided, single submitter. Criteria: Invitae Variant Classification Sherloc (09022015). Collection method: clinical testing. Allele origin: germline.

CeGaT Center for Human Genetics Tuebingen
Classification: Likely benign. Last evaluated: 2025-07-01. Review status: criteria provided, single submitter. Criteria: CeGaT Center For Human Genetics Tuebingen Variant Classification Criteria Version 2. Collection method: clinical testing. Allele origin: germline. Affected: yes. Observed: 1 variant allele.
Comment: NOTCH2: BP4, BS1

Blueprint Genetics
Classification: Benign. Last evaluated: 2024-11-07. Review status: criteria provided, single submitter. Criteria: ACMG Guidelines, 2015. Collection method: clinical testing. Allele origin: germline.

NM_024408.4(NOTCH2):c.3752G>A (p.Arg1251His)

Gene: NOTCH2 (notch receptor 2; minus strand). Cytogenetic location: 1p12.
Variant type: single nucleotide variant.
Coding change: c.3752G>A on transcript NM_024408.4 (MANE Select); coding-DNA position 3752, G replaced by A.
Protein change: p.Arg1251His; replaces arginine 1251 with histidine.
Molecular consequence: missense variant.
Genome position (GRCh38, 1-based): chr1:119,929,116, C>T on the plus strand (G>A on the coding strand, the complement: NOTCH2 is on the minus strand). VCF-style: chr1-119929116-C-T. GRCh37 (hg19) VCF-style: chr1-120471739-C-T.
Other names: short protein forms R1251H.
Identifiers: ClinVar variation 772250 (VCV000772250.20), dbSNP rs138832326, ClinGen allele CA1039970.